The following is an entry in ClinVar:

NM_020163.3(SEMA3G):c.389A>T (p.His130Leu)

Gene: SEMA3G (semaphorin 3G; minus strand). Cytogenetic location: 3p21.1.
Variant type: single nucleotide variant.
Coding change: c.389A>T on transcript NM_020163.3 (MANE Select); coding-DNA position 389, A replaced by T.
Protein change: p.His130Leu; replaces histidine 130 with leucine.
Molecular consequence: missense variant.
Genome position (GRCh38, 1-based): chr3:52,442,255, T>A on the plus strand (A>T on the coding strand, the complement: SEMA3G is on the minus strand). VCF-style: chr3-52442255-T-A. GRCh37 (hg19) VCF-style: chr3-52476271-T-A.
Other names: short protein forms H130L.
Identifiers: ClinVar variation 4988127 (VCV004988127.1).

ClinVar aggregate classification (germline): Uncertain significance (1 of 4 stars; one submission).

Conditions:
SEMA3G-related disorder. Also called: SEMA3G-related condition.

gnomAD v4.1: 4 of 1,613,470 alleles (0.00025%); highest among the groups gnomAD compares: Non-Finnish European, 0.00025%; no homozygotes.

Submission:

PreventionGenetics, part of Exact Sciences
Classification: Uncertain significance for SEMA3G-related condition. Last evaluated: 2026-09-14. Review status: criteria provided, single submitter. Criteria: ACMG Guidelines, 2015. Collection method: clinical testing. Allele origin: germline.
Comment: The SEMA3G c.389A>T variant is predicted to result in the amino acid substitution p.His130Leu. To our knowledge, this variant has not been reported in the literature. This variant is reported in 0.0018% of alleles in individuals of European (Non-Finnish) descent in gnomAD. At this time, the clinical significance of this variant is uncertain due to the absence of conclusive functional and genetic evidence.